The following is an entry in ClinVar:

NM_001171613.2(PREPL):c.1630-3del

Gene: PREPL (prolyl endopeptidase like; minus strand). Cytogenetic location: 2p21.
Variant type: Deletion.
Coding change: c.1630-3del on transcript NM_001171613.2 (MANE Select); 3 bases into the intron before coding-DNA position 1630, one base deleted (C; older notation c.1630-3delC).
Molecular consequence: intron variant.
Genome position (GRCh38, 1-based): chr2:44,322,857, G deleted on the plus strand (C on the coding strand, the reverse complement: PREPL is on the minus strand). VCF-style (leftmost placement, unchanged base first): chr2-44322856-TG-T. GRCh37 (hg19) VCF-style: chr2-44549995-TG-T.
Other names: c.1897-3del (NM_001171606.2, NM_006036.4, NM_001171603.1 and 2 more transcripts); c.1711-3del (NM_001042385.2); c.1699-3del (NM_001042386.2); c.1630-3del (NM_001171617.1, NM_001374277.1).
Identifiers: ClinVar variation 1036685 (VCV001036685.6), dbSNP rs1406333731, ClinGen allele CA769106950.

ClinVar aggregate classification (germline): Uncertain significance (1 of 4 stars; one submission).

Conditions:
Myasthenic syndrome, congenital, 22 (CMS22). Also called: PREPL DEFICIENCY. Identifiers: MedGen C4479088, MONDO:0044299, OMIM 616224.

Allele frequency attached by ClinVar (database versions not stated): gnomAD exomes below 0.00001; gnomAD 0.00001; TOPMed 0.00001.

Submission:

Labcorp Genetics (formerly Invitae), Labcorp
Classification: Uncertain significance for Myasthenic syndrome, congenital, 22. Last evaluated: 2022-06-27. Review status: criteria provided, single submitter. Criteria: Invitae Variant Classification Sherloc (09022015). Collection method: clinical testing. Allele origin: germline.
Comment: This sequence change falls in intron 11 of the PREPL gene. It does not directly change the encoded amino acid sequence of the PREPL protein. It affects a nucleotide within the consensus splice site. This variant is not present in population databases (gnomAD no frequency). This variant has not been reported in the literature in individuals affected with PREPL-related conditions. ClinVar contains an entry for this variant (Variation ID: 1036685). Variants that disrupt the consensus splice site are a relatively common cause of aberrant splicing (PMID: 17576681, 9536098). Algorithms developed to predict the effect of sequence changes on RNA splicing suggest that this variant is not likely to affect RNA splicing. In summary, the available evidence is currently insufficient to determine the role of this variant in disease. Therefore, it has been classified as a Variant of Uncertain Significance.

Literature cited by the submitters: PubMed 17576681; PubMed 9536098.